The following is an entry in ClinVar:

NM_000069.3(CACNA1S):c.258+271T>C

Gene: CACNA1S (calcium voltage-gated channel subunit alpha1 S; minus strand). Cytogenetic location: 1q32.1.
Variant type: single nucleotide variant.
Coding change: c.258+271T>C on transcript NM_000069.3 (MANE Select); 271 bases into the intron after coding-DNA position 258, T replaced by C.
Molecular consequence: intron variant.
Genome position (GRCh38, 1-based): chr1:201,109,893, A>G on the plus strand (T>C on the coding strand, the complement: CACNA1S is on the minus strand). VCF-style: chr1-201109893-A-G. GRCh37 (hg19) VCF-style: chr1-201079021-A-G.
Identifiers: ClinVar variation 671255 (VCV000671255.1), dbSNP rs1325312, ClinGen allele CA10697344.
Genomic context (GRCh38, chr1:201,109,893, plus strand): 5'-CTCAGTTTCCACATCTGTCAAATGGAACCACTTTATGAGTTGGTTGTGAGGATTAAATGA[A>G]TTTACTCTCATCAGGTATTAGCACAGTGCCTGGGACCAATGAGTGCGTGCTTAGTGCTGG-3'

ClinVar aggregate classification (germline): Benign (1 of 4 stars; one submission).

Allele frequency attached by ClinVar (database versions not stated): gnomAD 0.45683 and 0.46447; TOPMed 0.48202; 1000 Genomes Project 30x 0.56340; 1000 Genomes Project 0.56969.
gnomAD v4.1: 70,529 of 152,088 alleles (46%); highest among the groups gnomAD compares: East Asian, 82%; 17,047 homozygotes.

Submission:

GeneDx
Classification: Benign. Last evaluated: 2018-06-14. Review status: criteria provided, single submitter. Criteria: GeneDx Variant Classification (06012015). Collection method: clinical testing. Allele origin: germline. Affected: yes.
Comment: This variant is considered likely benign or benign based on one or more of the following criteria: it is a conservative change, it occurs at a poorly conserved position in the protein, it is predicted to be benign by multiple in silico algorithms, and/or has population frequency not consistent with disease.